The following is an entry in ClinVar:

ClinVar aggregate classification (germline): Uncertain significance (1 of 4 stars; one submission).

Conditions:
Cardiomyopathy (CMYO). Also called: Cardiomyopathies. Identifiers: Orphanet 167848, MedGen C0878544, MONDO:0004994, HP:0001638. Inheritance: Various modes of inheritance.

gnomAD v4.1: 1 of 1,581,148 alleles (0.000063%); highest among the groups gnomAD compares: East Asian, 0.0023%; no homozygotes.

Submission:

Color Diagnostics, LLC DBA Color Health
Classification: Uncertain significance for Cardiomyopathy. Last evaluated: 2025-07-02. Review status: criteria provided, single submitter. Criteria: ACMG Guidelines, 2015. Collection method: clinical testing. Allele origin: germline.
Comment: This variant causes a T to G nucleotide substitution at the +5 position of intron 21 of the MYBPC3 gene. To our knowledge, functional studies have not been reported for this variant. This variant has not been reported in individuals affected with MYBPC3-related disorders in the literature. This variant has been identified in 1/212782 chromosomes in the general population by the Genome Aggregation Database (gnomAD). The available evidence is insufficient to determine the role of this variant in disease conclusively. Therefore, this variant is classified as a Variant of Uncertain Significance.

NM_000256.3(MYBPC3):c.2067+5T>G

Gene: MYBPC3 (myosin binding protein C3; minus strand). Cytogenetic location: 11p11.2.
Variant type: single nucleotide variant.
Coding change: c.2067+5T>G on transcript NM_000256.3 (MANE Select); 5 bases into the intron after coding-DNA position 2067, T replaced by G.
Molecular consequence: intron variant.
Genome position (GRCh38, 1-based): chr11:47,339,646, A>C on the plus strand (T>G on the coding strand, the complement: MYBPC3 is on the minus strand). VCF-style: chr11-47339646-A-C. GRCh37 (hg19) VCF-style: chr11-47361197-A-C.
Identifiers: ClinVar variation 4758574 (VCV004758574.1).